The following is an entry in ClinVar:

ClinVar aggregate classification (germline): Uncertain significance (1 of 4 stars; one submission).

Conditions:
Generalized epilepsy with febrile seizures plus, type 7 (GEFSP7). Also called: GEFS+, TYPE 7. Identifiers: Orphanet 36387, MedGen C2751778, MONDO:0013470, OMIM 613863.
Neuropathy, hereditary sensory and autonomic, type 2A (HSAN2A). Also called: HSAN IIA; WNK1-Related HSAN2 (HSAN2A); MORVAN DISEASE; NEUROPATHY, CONGENITAL SENSORY; NEUROPATHY, HEREDITARY SENSORY RADICULAR, AUTOSOMAL RECESSIVE; NEUROPATHY, HEREDITARY SENSORY, TYPE IIA. Identifiers: Orphanet 970, MedGen C2752089, MONDO:0024309, OMIM 201300.

Allele frequency attached by ClinVar (database versions not stated): gnomAD exomes below 0.00001; TOPMed below 0.00001.
gnomAD v4.1: 2 of 1,588,950 alleles (0.00013%); highest among the groups gnomAD compares: African/African-American, 0.0013%; no homozygotes.

Submission:

Labcorp Genetics (formerly Invitae), Labcorp
Classification: Uncertain significance for Neuropathy, hereditary sensory and autonomic, type 2A; Generalized epilepsy with febrile seizures plus, type 7. Last evaluated: 2021-02-24. Review status: criteria provided, single submitter. Criteria: Invitae Variant Classification Sherloc (09022015). Collection method: clinical testing. Allele origin: germline.
Comment: This sequence change replaces proline with glutamine at codon 756 of the SCN9A protein (p.Pro756Gln). The proline residue is highly conserved and there is a moderate physicochemical difference between proline and glutamine. This variant is not present in population databases (ExAC no frequency). This variant has not been reported in the literature in individuals with SCN9A-related conditions. Algorithms developed to predict the effect of missense changes on protein structure and function are either unavailable or do not agree on the potential impact of this missense change (SIFT: "Tolerated"; PolyPhen-2: "Probably Damaging"; Align-GVGD: "Class C0"). In summary, the available evidence is currently insufficient to determine the role of this variant in disease. Therefore, it has been classified as a Variant of Uncertain Significance.

NM_001365536.1(SCN9A):c.2300C>A (p.Pro767Gln)

Genes: SCN9A (sodium voltage-gated channel alpha subunit 9; minus strand), SCN1A-AS1 (SCN1A and SCN9A antisense RNA 1; plus strand). Cytogenetic location: 2q24.3.
Variant type: single nucleotide variant.
Coding change: c.2300C>A on transcript NM_001365536.1 (MANE Select); coding-DNA position 2300, C replaced by A.
Protein change: p.Pro767Gln; replaces proline 767 with glutamine.
Molecular consequence: missense variant.
Genome position (GRCh38, 1-based): chr2:166,280,400, G>T on the plus strand (C>A on the coding strand, the complement: SCN9A is on the minus strand). VCF-style: chr2-166280400-G-T. GRCh37 (hg19) VCF-style: chr2-167136910-G-T.
Other names: c.2267C>A, p.Pro756Gln (NM_002977.4); short protein forms P756Q, P767Q.
Identifiers: ClinVar variation 968649 (VCV000968649.10), dbSNP rs978208178, ClinGen allele CA59796578.